The following is an entry in ClinVar:

NM_001189.4(NKX3-2):c.873A>G (p.Arg291=)

Gene: NKX3-2 (NK3 homeobox 2; minus strand). Cytogenetic location: 4p15.33.
Variant type: single nucleotide variant.
Coding change: c.873A>G on transcript NM_001189.4 (MANE Select); coding-DNA position 873, A replaced by G.
Protein change: p.Arg291=; no amino-acid change (arginine 291 retained).
Molecular consequence: synonymous variant.
Genome position (GRCh38, 1-based): chr4:13,542,122, T>C on the plus strand (A>G on the coding strand, the complement: NKX3-2 is on the minus strand). VCF-style: chr4-13542122-T-C. GRCh37 (hg19) VCF-style: chr4-13543746-T-C.
Identifiers: ClinVar variation 595512 (VCV000595512.20), dbSNP rs921673580, ClinGen allele CA92471722.

ClinVar aggregate classification (germline): Conflicting classifications of pathogenicity. Review status: criteria provided, conflicting classifications (1 of 4 stars). 3 submissions from 3 submitters: Uncertain significance (1); Likely benign (2). Last evaluated 2026-01-28.

Allele frequency attached by ClinVar (database versions not stated): gnomAD 0.00001; TOPMed 0.00005; gnomAD exomes 0.00011.

Submissions (3):

Labcorp Genetics (formerly Invitae), Labcorp
Classification: Likely benign. Last evaluated: 2026-01-28. Review status: criteria provided, single submitter. Criteria: Invitae Variant Classification Sherloc (09022015). Collection method: clinical testing. Allele origin: germline.

CeGaT Center for Human Genetics Tuebingen
Classification: Likely benign. Last evaluated: 2025-10-01. Review status: criteria provided, single submitter. Criteria: CeGaT Center For Human Genetics Tuebingen Variant Classification Criteria Version 2. Collection method: clinical testing. Allele origin: germline. Affected: yes. Observed: 1 variant allele.
Comment: NKX3-2: BP4, BP7

Eurofins Ntd Llc (ga)
Classification: Uncertain significance. Last evaluated: 2017-12-27. Review status: criteria provided, single submitter. Criteria: EGL Classification Definitions 2015. Collection method: clinical testing. Allele origin: germline. Observed: 1 variant allele, 1 heterozygote.